The following is an entry in ClinVar:

ClinVar aggregate classification (germline): Likely benign. Review status: criteria provided, multiple submitters, no conflicts (2 of 4 stars). 3 submissions from 3 submitters: Likely benign (3). Last evaluated 2025-10-09.

Conditions:
PARK7-related disorder. Also called: PARK7-related condition.
Autosomal recessive early-onset Parkinson disease 7. Identifiers: Orphanet 2828, MedGen C1853445, MONDO:0011658, OMIM 606324.

Submissions (3):

Labcorp Genetics (formerly Invitae), Labcorp
Classification: Likely benign for Autosomal recessive early-onset Parkinson disease 7. Last evaluated: 2025-10-09. Review status: criteria provided, single submitter. Criteria: Invitae Variant Classification Sherloc (09022015). Collection method: clinical testing. Allele origin: germline.

PreventionGenetics, part of Exact Sciences
Classification: Likely benign for PARK7-related condition. Last evaluated: 2025-05-08. Review status: criteria provided, single submitter. Criteria: ACMG Guidelines, 2015. Collection method: clinical testing. Allele origin: germline.
Comment: This variant is classified as likely benign based on ACMG/AMP sequence variant interpretation guidelines (Richards et al. 2015 PMID: 25741868, with internal and published modifications).

GeneDx
Classification: Likely benign. Last evaluated: 2018-04-24. Review status: criteria provided, single submitter. Criteria: GeneDx Variant Classification (06012015). Collection method: clinical testing. Allele origin: germline. Affected: yes.
Comment: This variant is considered likely benign or benign based on one or more of the following criteria: it is a conservative change, it occurs at a poorly conserved position in the protein, it is predicted to be benign by multiple in silico algorithms, and/or has population frequency not consistent with disease.

NM_007262.5(PARK7):c.252+8dup

Gene: PARK7 (Parkinsonism associated deglycase; plus strand). Cytogenetic location: 1p36.23.
Variant type: Duplication.
Coding change: c.252+8dup on transcript NM_007262.5 (MANE Select); 8 bases into the intron after coding-DNA position 252, one base duplicated (A; older notation c.252+8dupA).
Molecular consequence: intron variant.
Genome position (GRCh38, 1-based): chr1:7,969,412, A duplicated; the last of 6 consecutive A bases (chr1:7,969,407-7,969,412); duplicating any one gives the same sequence. VCF-style (leftmost placement, unchanged base first): chr1-7969406-T-TA. GRCh37 (hg19) VCF-style: chr1-8029466-T-TA.
Other names: c.252+8dupA (NM_007262.4); c.252+8dup (NM_001123377.2).
Identifiers: ClinVar variation 675657 (VCV000675657.11), dbSNP rs781094807, ClinGen allele CA569492.
Genomic context (GRCh38, chr1:7,969,406, plus strand): 5'-GACCATATGATGTGGTGGTTCTACCAGGAGGTAATCTGGGCGCACAGAATTTATCTGAGG[T>TA]AAAAAATTCTACTCAATTATACCTCAATAAAGCTGGGGGGGGGGAAAAACTAAAGAATTT-3'